The following is an entry in ClinVar:

NM_001009944.3(PKD1):c.1373C>G (p.Ser458Cys)

Gene: PKD1 (polycystin 1, transient receptor potential channel interacting; minus strand). Cytogenetic location: 16p13.3.
Variant type: single nucleotide variant.
Coding change: c.1373C>G on transcript NM_001009944.3 (MANE Select); coding-DNA position 1373, C replaced by G.
Protein change: p.Ser458Cys; replaces serine 458 with cysteine.
Molecular consequence: missense variant.
Genome position (GRCh38, 1-based): chr16:2,117,501, G>C on the plus strand (C>G on the coding strand, the complement: PKD1 is on the minus strand). VCF-style: chr16-2117501-G-C. GRCh37 (hg19) VCF-style: chr16-2167502-G-C.
Other names: c.1373C>G, p.Ser458Cys (NM_000296.4); short protein forms S458C.
Identifiers: ClinVar variation 4531050 (VCV004531050.1).

ClinVar aggregate classification (germline): Uncertain significance (1 of 4 stars; one submission).

Submission:

GeneDx
Classification: Uncertain significance. Last evaluated: 2025-05-23. Review status: criteria provided, single submitter. Criteria: GeneDx Variant Classification Process June 2021. Collection method: clinical testing. Allele origin: germline. Affected: yes.
Comment: Not observed at significant frequency in large population cohorts (gnomAD); In silico analysis suggests that this missense variant does not alter protein structure/function; Has not been previously published as pathogenic or benign to our knowledge